The following is an entry in ClinVar:

ClinVar aggregate classification (germline): Uncertain significance (1 of 4 stars; one submission).

Submission:

Ambry Genetics
Classification: Uncertain significance. Last evaluated: 2026-07-05. Review status: criteria provided, single submitter. Criteria: Ambry Variant Classification Scheme 2023. Collection method: clinical testing. Allele origin: germline.
Comment: The p.D617H variant (also known as c.1849G>C), located in coding exon 9 of the ATRIP gene, results from a G to C substitution at nucleotide position 1849. The aspartic acid at codon 617 is replaced by histidine, an amino acid with similar properties. This amino acid position is conserved. In addition, this alteration is predicted to be tolerated by in silico analysis. Based on the available evidence, the clinical significance of this variant remains unclear.

NM_130384.3(ATRIP):c.1849G>C (p.Asp617His)

Genes: ATRIP (ATR interacting protein; plus strand), ATRIP-TREX1 (ATRIP-TREX1 readthrough; plus strand). Cytogenetic location: 3p21.31.
Variant type: single nucleotide variant.
Coding change: c.1849G>C on transcript NM_130384.3 (MANE Select); coding-DNA position 1849, G replaced by C.
Protein change: p.Asp617His; replaces aspartic acid 617 with histidine.
Molecular consequence: missense variant. On other transcripts: non-coding transcript variant (1).
Genome position (GRCh38, 1-based): chr3:48,463,848, G>C. VCF-style: chr3-48463848-G-C. GRCh37 (hg19) VCF-style: chr3-48505247-G-C.
Other names: c.1468G>C, p.Asp490His (NM_001271022.2); c.1570G>C, p.Asp524His (NM_001271023.2); c.1849G>C, p.Asp617His (NM_032166.4); short protein forms D490H, D524H, D617H.
Identifiers: ClinVar variation 5032423 (VCV005032423.1).